The following is an entry in ClinVar:

NM_001102469.2(LIPN):c.683G>C (p.Gly228Ala)

Gene: LIPN (lipase family member N; plus strand). Cytogenetic location: 10q23.31.
Variant type: single nucleotide variant.
Coding change: c.683G>C on transcript NM_001102469.2 (MANE Select); coding-DNA position 683, G replaced by C.
Protein change: p.Gly228Ala; replaces glycine 228 with alanine.
Molecular consequence: missense variant.
Genome position (GRCh38, 1-based): chr10:88,770,855, G>C. VCF-style: chr10-88770855-G-C. GRCh37 (hg19) VCF-style: chr10-90530612-G-C.
Other names: short protein forms G228A.
Identifiers: ClinVar variation 2505726 (VCV002505726.1), dbSNP rs201135817, ClinGen allele CA5591948.
Genomic context (GRCh38, chr10:88,770,855, plus strand): 5'-TCTGCAAATATTTTATCTCATTCAAAGATAATTATTATTTACTTTCATAGGCTGTTTTTG[G>C]TACCAAAGGTTTCTTTTTAGAAGATAAGAAAACGAAGATAGCTTCTACCAAAATCTGCAA-3'
Protein context (NP_001095939.1, residues 218-238): LPNSIIKAVF[Gly228Ala]TKGFFLEDKK

ClinVar aggregate classification (germline): Uncertain significance (1 of 4 stars; one submission).

Allele frequency attached by ClinVar (database versions not stated): TOPMed 0.00003; gnomAD 0.00013; 1000 Genomes Project 30x 0.00047; 1000 Genomes Project 0.00060; ExAC 0.00155.
gnomAD v4.1: 305 of 1,510,178 alleles (0.02%); highest among the groups gnomAD compares: South Asian, 0.35%; no homozygotes.

Submission:

GeneDx
Classification: Uncertain significance. Last evaluated: 2022-12-16. Review status: criteria provided, single submitter. Criteria: GeneDx Variant Classification Process June 2021. Collection method: clinical testing. Allele origin: germline. Affected: yes.
Comment: Has not been previously published as pathogenic or benign to our knowledge; In silico analysis supports that this missense variant has a deleterious effect on protein structure/function